The following is an entry in ClinVar:

NM_001197104.2(KMT2A):c.6412T>C (p.Tyr2138His)

Gene: KMT2A (lysine methyltransferase 2A; plus strand). Cytogenetic location: 11q23.3.
Variant type: single nucleotide variant.
Coding change: c.6412T>C on transcript NM_001197104.2 (MANE Select); coding-DNA position 6412, T replaced by C.
Protein change: p.Tyr2138His; replaces tyrosine 2138 with histidine.
Molecular consequence: missense variant.
Genome position (GRCh38, 1-based): chr11:118,501,764, T>C. VCF-style: chr11-118501764-T-C. GRCh37 (hg19) VCF-style: chr11-118372479-T-C.
Other names: c.6502T>C, p.Tyr2168His (NM_001412597.1); c.6403T>C, p.Tyr2135His (NM_005933.4); short protein forms Y2135H, Y2138H, Y2168H.
Identifiers: ClinVar variation 3897128 (VCV003897128.1).

ClinVar aggregate classification (germline): Uncertain significance (1 of 4 stars; one submission).

Submission:

GeneDx
Classification: Uncertain significance. Last evaluated: 2024-11-05. Review status: criteria provided, single submitter. Criteria: GeneDx Variant Classification Process June 2021. Collection method: clinical testing. Allele origin: germline. Affected: yes.
Comment: Not observed at significant frequency in large population cohorts (gnomAD); In silico analysis indicates that this missense variant does not alter protein structure/function; Has not been previously published as pathogenic or benign to our knowledge